The following is an entry in ClinVar:

ClinVar aggregate classification (germline): Benign (1 of 4 stars; one submission).

Conditions:
Congenital brain dysgenesis due to glutamine synthetase deficiency (GLND). Also called: GLUTAMINE SYNTHASE DEFICIENCY, CONGENITAL SYSTEMIC. Identifiers: Orphanet 71278, MedGen C1864910, MONDO:0012393, OMIM 610015.

Allele frequency attached by ClinVar (database versions not stated): 1000 Genomes Project 30x 0.00656; 1000 Genomes Project 0.00719; gnomAD exomes 0.00950; gnomAD 0.01277 and 0.01330; TOPMed 0.01293.
gnomAD v4.1: 2,137 of 169,092 alleles (1.3%); highest among the groups gnomAD compares: Middle Eastern, 1.9%; 22 homozygotes.

Submission:

Illumina Laboratory Services, Illumina
Classification: Benign for Congenital brain dysgenesis due to glutamine synthetase deficiency. Last evaluated: 2018-01-12. Review status: criteria provided, single submitter. Criteria: ICSL Variant Classification Criteria 13 December 2019. Collection method: clinical testing. Allele origin: germline.
Comment: This variant was observed in the ICSL laboratory as part of a predisposition screen in an ostensibly healthy population. It had not been previously curated by ICSL or reported in the Human Gene Mutation Database (HGMD: prior to June 1st, 2018), and was therefore a candidate for classification through an automated scoring system. Utilizing variant allele frequency, disease prevalence and penetrance estimates, and inheritance mode, an automated score was calculated to assess if this variant is too frequent to cause the disease. Based on the score and internal cut-off values, a variant classified as benign is not then subjected to further curation. The score for this variant resulted in a classification of benign for this disease.

NM_001033044.4(GLUL):c.*547C>A

Gene: GLUL (glutamate-ammonia ligase; minus strand). Cytogenetic location: 1q25.3.
Variant type: single nucleotide variant.
Coding change: c.*547C>A on transcript NM_001033044.4 (MANE Select); 547 bases downstream of the stop codon, C replaced by A.
Molecular consequence: 3 prime UTR variant.
Genome position (GRCh38, 1-based): chr1:182,383,858, G>T on the plus strand (C>A on the coding strand, the complement: GLUL is on the minus strand). VCF-style: chr1-182383858-G-T. GRCh37 (hg19) VCF-style: chr1-182352993-G-T.
Other names: c.*547C>A (NM_001033056.4, NM_002065.7).
Identifiers: ClinVar variation 876849 (VCV000876849.4), dbSNP rs76673199, ClinGen allele CA10910489.